The following is an entry in ClinVar:

ClinVar aggregate classification (germline): Likely benign. Review status: criteria provided, multiple submitters, no conflicts (2 of 4 stars). 3 submissions from 3 submitters: Likely benign (2). 1 of the submissions does not count toward it. Last evaluated 2026-01-26.

Conditions:
SAMD9L-related disorder. Also called: SAMD9L-related disorders; SAMD9L-related condition.
Inborn genetic diseases. Identifiers: MedGen C0950123, MeSH D030342.

Allele frequency attached by ClinVar (database versions not stated): gnomAD exomes 0.00001; gnomAD 0.00003; TOPMed 0.00004; ESP Exome Variant Server 0.00008.

Submissions (3):

Labcorp Genetics (formerly Invitae), Labcorp
Classification: Likely benign. Last evaluated: 2026-01-26. Review status: criteria provided, single submitter. Criteria: Invitae Variant Classification Sherloc (09022015). Collection method: clinical testing. Allele origin: germline.

Ambry Genetics
Classification: Likely benign for Inborn genetic diseases. Last evaluated: 2024-12-21. Review status: criteria provided, single submitter. Criteria: Ambry Variant Classification Scheme 2023. Collection method: clinical testing. Allele origin: germline.

PreventionGenetics, part of Exact Sciences
Classification: Likely benign for SAMD9L-related condition. Last evaluated: 2024-01-18. Review status: no assertion criteria provided. Collection method: clinical testing. Allele origin: germline. Not counted in ClinVar's aggregate classification.
Comment: This variant is classified as likely benign based on ACMG/AMP sequence variant interpretation guidelines (Richards et al. 2015 PMID: 25741868, with internal and published modifications).

NM_152703.5(SAMD9L):c.2925A>G (p.Glu975=)

Gene: SAMD9L (sterile alpha motif domain containing 9 like; minus strand). Cytogenetic location: 7q21.2.
Variant type: single nucleotide variant.
Coding change: c.2925A>G on transcript NM_152703.5 (MANE Select); coding-DNA position 2925, A replaced by G.
Protein change: p.Glu975=; no amino-acid change (glutamic acid 975 retained).
Molecular consequence: synonymous variant.
Genome position (GRCh38, 1-based): chr7:93,133,047, T>C on the plus strand (A>G on the coding strand, the complement: SAMD9L is on the minus strand). VCF-style: chr7-93133047-T-C. GRCh37 (hg19) VCF-style: chr7-92762360-T-C.
Other names: c.2925A>G (NM_152703.2, NM_152703.3); c.2925A>G, p.Glu975= (NM_001303496.3, NM_001303497.3, NM_001303498.3 and 5 more transcripts).
Identifiers: ClinVar variation 1982713 (VCV001982713.7), dbSNP rs142489925, ClinGen allele CA161959936.